The following is an entry in ClinVar:

NM_000321.3(RB1):c.2521-5T>C

Gene: RB1 (RB transcriptional corepressor 1; plus strand). Cytogenetic location: 13q14.2.
Variant type: single nucleotide variant.
Coding change: c.2521-5T>C on transcript NM_000321.3 (MANE Select); 5 bases into the intron before coding-DNA position 2521, T replaced by C.
Molecular consequence: intron variant.
Genome position (GRCh38, 1-based): chr13:48,476,696, T>C. VCF-style: chr13-48476696-T-C. GRCh37 (hg19) VCF-style: chr13-49050832-T-C.
Other names: c.2521-5T>C (NM_001407165.1); c.-30-5T>C (NM_001407168.1).
Identifiers: ClinVar variation 3387578 (VCV003387578.1).
Genomic context (GRCh38, chr13:48,476,696, plus strand): 5'-TGAGGTTGCTAACTATGAAACACTGGCATTTAATGATTTAAAGTAAAGAATTCTGTAATT[T>C]GTAGACTTCTGAGAAGTTCCAGAAAATAAATCAGATGGTATGTAACAGCGACCGTGTGCT-3'

ClinVar aggregate classification (germline): Likely benign (1 of 4 stars; one submission).

Conditions:
Retinoblastoma (RB1). Also called: RETINOBLASTOMA, SOMATIC. Identifiers: Orphanet 790, MedGen C0035335, MeSH D012175, MONDO:0008380, OMIM 180200, HP:0009919. Disease mechanism: loss of function. Inheritance: Both sporadic and heritable forms are tested..

Submission:

All of Us Research Program, National Institutes of Health
Classification: Likely benign for Retinoblastoma. Last evaluated: 2024-03-24. Review status: criteria provided, single submitter. Criteria: ACMG Guidelines, 2015. Collection method: clinical testing. Allele origin: germline. Inheritance: Autosomal dominant inheritance. Observed: 1 variant allele, 1 heterozygote.
Comment: This study involves interpretation of variants in research participants for the purpose of population health screening. Participant phenotype was not available at the time of variant classification. Additional details can be found in publication PMID: 35346344, PMCID: PMC8962531